The following is an entry in ClinVar:

ClinVar aggregate classification (germline): Uncertain significance (1 of 4 stars; one submission).

Allele frequency attached by ClinVar (database versions not stated): ExAC 0.00002; gnomAD exomes 0.00002.
gnomAD v4.1: 12 of 1,593,930 alleles (0.00075%); highest among the groups gnomAD compares: South Asian, 0.014%; no homozygotes.

Submission:

Labcorp Genetics (formerly Invitae), Labcorp
Classification: Uncertain significance. Last evaluated: 2021-07-02. Review status: criteria provided, single submitter. Criteria: Invitae Variant Classification Sherloc (09022015). Collection method: clinical testing. Allele origin: germline.
Comment: In summary, the available evidence is currently insufficient to determine the role of this variant in disease. Therefore, it has been classified as a Variant of Uncertain Significance. Algorithms developed to predict the effect of missense changes on protein structure and function are either unavailable or do not agree on the potential impact of this missense change (SIFT: "Deleterious"; PolyPhen-2: "Possibly Damaging"; Align-GVGD: "Class C0"). This variant has not been reported in the literature in individuals affected with IMPG2-related conditions. This variant is present in population databases (rs746692897, ExAC 0.01%). This sequence change replaces aspartic acid with valine at codon 588 of the IMPG2 protein (p.Asp588Val). The aspartic acid residue is highly conserved and there is a large physicochemical difference between aspartic acid and valine.

NM_016247.4(IMPG2):c.1763A>T (p.Asp588Val)

Gene: IMPG2 (interphotoreceptor matrix proteoglycan 2; minus strand). Cytogenetic location: 3q12.3.
Variant type: single nucleotide variant.
Coding change: c.1763A>T on transcript NM_016247.4 (MANE Select); coding-DNA position 1763, A replaced by T.
Protein change: p.Asp588Val; replaces aspartic acid 588 with valine.
Molecular consequence: missense variant.
Genome position (GRCh38, 1-based): chr3:101,244,568, T>A on the plus strand (A>T on the coding strand, the complement: IMPG2 is on the minus strand). VCF-style: chr3-101244568-T-A. GRCh37 (hg19) VCF-style: chr3-100963412-T-A.
Other names: short protein forms D588V.
Identifiers: ClinVar variation 1476271 (VCV001476271.8), dbSNP rs746692897, ClinGen allele CA2519095.